The following is an entry in ClinVar:

ClinVar aggregate classification (germline): Pathogenic (1 of 4 stars; one submission).

Conditions:
Succinate-semialdehyde dehydrogenase deficiency (SSADHD). Also called: Succinic Semialdehyde Dehydrogenase Deficiency; SSADH DEFICIENCY; 4-HYDROXYBUTYRIC ACIDURIA; GABA METABOLIC DEFECT. Identifiers: Orphanet 22, MedGen C0268631, MONDO:0010083, OMIM 271980.

gnomAD v4.1: 3 of 1,533,088 alleles (0.0002%); highest among the groups gnomAD compares: Non-Finnish European, 0.00026%; no homozygotes.

Submission:

Labcorp Genetics (formerly Invitae), Labcorp
Classification: Pathogenic for Succinate-semialdehyde dehydrogenase deficiency. Last evaluated: 2024-09-09. Review status: criteria provided, single submitter. Criteria: Invitae Variant Classification Sherloc (09022015). Collection method: clinical testing. Allele origin: germline.
Comment: This sequence change creates a premature translational stop signal (p.Tyr106*) in the ALDH5A1 gene. It is expected to result in an absent or disrupted protein product. Loss-of-function variants in ALDH5A1 are known to be pathogenic (PMID: 14635103). This variant is not present in population databases (gnomAD no frequency). This variant has not been reported in the literature in individuals affected with ALDH5A1-related conditions. ClinVar contains an entry for this variant (Variation ID: 1070800). For these reasons, this variant has been classified as Pathogenic.

Literature cited by the submitters: PubMed 14635103.

NM_001080.3(ALDH5A1):c.318C>G (p.Tyr106Ter)

Genes: ALDH5A1 (aldehyde dehydrogenase 5 family member A1; plus strand), LOC129995978 (ATAC-STARR-seq lymphoblastoid silent region 16989; plus strand). Cytogenetic location: 6p22.3.
Variant type: single nucleotide variant.
Coding change: c.318C>G on transcript NM_001080.3 (MANE Select); coding-DNA position 318, C replaced by G.
Protein change: p.Tyr106Ter; replaces tyrosine 106 with a stop codon.
Molecular consequence: nonsense.
Genome position (GRCh38, 1-based): chr6:24,495,314, C>G. VCF-style: chr6-24495314-C-G. GRCh37 (hg19) VCF-style: chr6-24495542-C-G.
Other names: c.318C>G, p.Tyr106Ter (NM_001368954.1, NM_170740.1); short protein forms Y106*.
Identifiers: ClinVar variation 1070800 (VCV001070800.8), dbSNP rs985818920, ClinGen allele CA362968669.
Genomic context (GRCh38, chr6:24,495,314, plus strand): 5'-TCTGGGCATGGTAGCCGACTGCGGGGTGCGAGAGGCCCGCGCCGCCGTGCGCGCTGCCTA[C>G]GAGGCTTTCTGCCGCTGGAGGGAGGTCTCCGCCAAGGTGAGAGAGCCCGGATGCAGGGGG-3'